The following is an entry in ClinVar:

NM_014806.5(RUSC2):c.3720GGAAGA[1] (p.Glu1245_Glu1246del)

Gene: RUSC2 (RUN and SH3 domain containing 2; plus strand). Cytogenetic location: 9p13.3.
Variant type: Microsatellite.
Coding change: c.3720GGAAGA[1] on transcript NM_014806.5 (MANE Select); one copy of the 6-base unit GGAAGA starting at c.3720; the reference has two copies in a row; one copy, 6 bases deleted.
Protein change: p.Glu1245_Glu1246del.
Molecular consequence: inframe deletion. On other transcripts: non-coding transcript variant (1).
Genome position (GRCh38, 1-based): chr9:35,560,366-35,560,371, GGAAGA deleted; deleting any 6 consecutive bases within chr9:35,560,355-35,560,371 gives the same sequence; the position shown is the placement nearest the transcript's 3' end. VCF-style (leftmost placement, unchanged base first): chr9-35560354-AGAAGAG-A. GRCh37 (hg19) VCF-style: chr9-35560351-AGAAGAG-A.
Other names: c.3726_3731del6 (NM_001135999.1); c.3720GGAAGA[1], p.Glu1245_Glu1246del (NM_001135999.2); c.1086GGAAGA[1], p.Glu367_Glu368del (NM_001330740.2).
Identifiers: ClinVar variation 1167580 (VCV001167580.13), dbSNP rs145749994, ClinGen allele CA5044221.

ClinVar aggregate classification (germline): Benign/Likely benign. Review status: criteria provided, multiple submitters, no conflicts (2 of 4 stars). 3 submissions from 3 submitters: Benign (1); Likely benign (1). 1 of the submissions does not count toward it. Last evaluated 2026-02-03.

Conditions:
Intellectual developmental disorder, autosomal recessive 61. Also called: ALWADEI SYNDROME; MENTAL RETARDATION, AUTOSOMAL RECESSIVE 61; Intellectual disability, autosomal recessive 61. Identifiers: MedGen C4540424, MONDO:0030915, OMIM 617773.
RUSC2-related disorder. Also called: RUSC2-related condition.

Submissions (3):

Labcorp Genetics (formerly Invitae), Labcorp
Classification: Benign. Last evaluated: 2026-02-03. Review status: criteria provided, single submitter. Criteria: Invitae Variant Classification Sherloc (09022015). Collection method: clinical testing. Allele origin: germline.

Fulgent Genetics
Classification: Likely benign for Intellectual developmental disorder, autosomal recessive 61. Last evaluated: 2022-05-19. Review status: criteria provided, single submitter. Criteria: ACMG Guidelines, 2015. Collection method: clinical testing. Allele origin: unknown.

PreventionGenetics, part of Exact Sciences
Classification: Benign for RUSC2-related condition. Last evaluated: 2019-08-14. Review status: no assertion criteria provided. Collection method: clinical testing. Allele origin: germline. Not counted in ClinVar's aggregate classification.
Comment: This variant is classified as benign based on ACMG/AMP sequence variant interpretation guidelines (Richards et al. 2015 PMID: 25741868, with internal and published modifications).